The following is an entry in ClinVar:

ClinVar aggregate classification (germline): Uncertain significance (1 of 4 stars; one submission).

Allele frequency attached by ClinVar (database versions not stated): gnomAD exomes below 0.00001; TOPMed below 0.00001; gnomAD 0.00001.
gnomAD v4.1: 6 of 1,604,314 alleles (0.00037%); highest among the groups gnomAD compares: Non-Finnish European, 0.00051%; no homozygotes.

Submission:

Labcorp Genetics (formerly Invitae), Labcorp
Classification: Uncertain significance. Last evaluated: 2021-08-31. Review status: criteria provided, single submitter. Criteria: Invitae Variant Classification Sherloc (09022015). Collection method: clinical testing. Allele origin: germline.
Comment: This sequence change replaces glutamic acid with alanine at codon 227 of the KCNV2 protein (p.Glu227Ala). The glutamic acid residue is highly conserved and there is a moderate physicochemical difference between glutamic acid and alanine. In summary, the available evidence is currently insufficient to determine the role of this variant in disease. Therefore, it has been classified as a Variant of Uncertain Significance. Advanced modeling of protein sequence and biophysical properties (such as structural, functional, and spatial information, amino acid conservation, physicochemical variation, residue mobility, and thermodynamic stability) performed at Invitae indicates that this missense variant is not expected to disrupt KCNV2 protein function. This variant has not been reported in the literature in individuals affected with KCNV2-related conditions. This variant is not present in population databases (ExAC no frequency).

NM_133497.4(KCNV2):c.680A>C (p.Glu227Ala)

Gene: KCNV2 (potassium voltage-gated channel modifier subfamily V member 2; plus strand). Cytogenetic location: 9p24.2.
Variant type: single nucleotide variant.
Coding change: c.680A>C on transcript NM_133497.4 (MANE Select); coding-DNA position 680, A replaced by C.
Protein change: p.Glu227Ala; replaces glutamic acid 227 with alanine.
Molecular consequence: missense variant.
Genome position (GRCh38, 1-based): chr9:2,718,419, A>C. VCF-style: chr9-2718419-A-C. GRCh37 (hg19) VCF-style: chr9-2718419-A-C.
Other names: short protein forms E227A.
Identifiers: ClinVar variation 1378970 (VCV001378970.6), dbSNP rs1294428392, ClinGen allele CA372798699.